The following is an entry in ClinVar:

NM_000038.6(APC):c.1383_1390delinsATGAATGA (p.His462_His464delinsTer)

Gene: APC (APC regulator of WNT signaling pathway; plus strand). Cytogenetic location: 5q22.2.
Variant type: Indel.
Coding change: c.1383_1390delinsATGAATGA on transcript NM_000038.6 (MANE Select); coding-DNA positions 1383 to 1390, GCATAGAC replaced by ATGAATGA.
Protein change: p.His462_His464delinsTer.
Molecular consequence: nonsense.
Genome position (GRCh38, 1-based): chr5:112,821,966-112,821,973, GCATAGAC replaced by ATGAATGA. VCF-style: chr5-112821966-GCATAGAC-ATGAATGA. GRCh37 (hg19) VCF-style: chr5-112157663-GCATAGAC-ATGAATGA.
Other names: c.1206_1213delinsATGAATGA, p.His403_His405delinsTer (NM_001354900.2, NM_001354901.2); c.1110_1117delinsATGAATGA, p.His371_His373delinsTer (NM_001354902.2); c.534_541delinsATGAATGA, p.His179_His181delinsTer (NM_001354906.2); c.1080_1087delinsATGAATGA, p.His361_His363delinsTer (NM_001354903.2); c.1005_1012delinsATGAATGA, p.His336_His338delinsTer (NM_001354904.2); c.903_910delinsATGAATGA, p.His302_His304delinsTer (NM_001354905.2); c.1383_1390delinsATGAATGA, p.His462_His464delinsTer (NM_001127510.3, NM_001354895.2, NM_001354896.2); c.1329_1336delinsATGAATGA, p.His444_His446delinsTer (NM_001127511.3); and 3 more.
Identifiers: ClinVar variation 1174016 (VCV001174016.1), dbSNP rs2149792567, ClinGen allele CA2499217434.

ClinVar aggregate classification (germline): Pathogenic (0 of 4 stars; one submission).

Conditions:
Colorectal cancer. Also called: Colorectal cancer, somatic; Malignant Colorectal Neoplasm. Identifiers: MedGen C0346629, MONDO:0005575, OMIM 114500.

Submission:

University Health Network, Princess Margaret Cancer Centre
Classification: Pathogenic for Colorectal cancer. Last evaluated: 2021-03-19. Review status: no assertion criteria provided. Collection method: clinical testing. Allele origin: de novo. Affected: yes.
Comment: Variant observed at low allele frequency